The following is an entry in ClinVar:

ClinVar aggregate classification (germline): Uncertain significance. Review status: criteria provided, single submitter (1 of 4 stars). 2 submissions from 2 submitters: Uncertain significance (1). 1 of the submissions does not count toward it. Last evaluated 2022-02-06.

Conditions:
BBS7-related disorder. Also called: BBS7-related condition.
Bardet-Biedl syndrome (BBS). Identifiers: Orphanet 110, MedGen C0752166, MONDO:0015229.

Allele frequency attached by ClinVar (database versions not stated): gnomAD exomes below 0.00001 and 0.00001; ExAC 0.00001.
gnomAD v4.1: 18 of 1,597,232 alleles (0.0011%); highest among the groups gnomAD compares: Non-Finnish European, 0.0015%; no homozygotes.

Submissions (2):

Labcorp Genetics (formerly Invitae), Labcorp
Classification: Uncertain significance for Bardet-Biedl syndrome. Last evaluated: 2022-02-06. Review status: criteria provided, single submitter. Criteria: Invitae Variant Classification Sherloc (09022015). Collection method: clinical testing. Allele origin: germline.
Comment: This sequence change falls in intron 10 of the BBS7 gene. It does not directly change the encoded amino acid sequence of the BBS7 protein. It affects a nucleotide within the consensus splice site. This variant is present in population databases (rs749266895, gnomAD 0.0009%). This variant has not been reported in the literature in individuals affected with BBS7-related conditions. ClinVar contains an entry for this variant (Variation ID: 1063476). Variants that disrupt the consensus splice site are a relatively common cause of aberrant splicing (PMID: 17576681, 9536098). Algorithms developed to predict the effect of sequence changes on RNA splicing suggest that this variant is not likely to affect RNA splicing. In summary, the available evidence is currently insufficient to determine the role of this variant in disease. Therefore, it has been classified as a Variant of Uncertain Significance.

PreventionGenetics, part of Exact Sciences
Classification: Likely benign for BBS7-related condition. Last evaluated: 2021-10-13. Review status: no assertion criteria provided. Collection method: clinical testing. Allele origin: germline. Not counted in ClinVar's aggregate classification.
Comment: This variant is classified as likely benign based on ACMG/AMP sequence variant interpretation guidelines (Richards et al. 2015 PMID: 25741868, with internal and published modifications).

Literature cited by the submitters: PubMed 17576681 (cited by Labcorp Genetics (formerly Invitae), Labcorp); PubMed 9536098 (cited by Labcorp Genetics (formerly Invitae), Labcorp).

NM_176824.3(BBS7):c.1037+5C>T

Gene: BBS7 (Bardet-Biedl syndrome 7; minus strand). Cytogenetic location: 4q27.
Variant type: single nucleotide variant.
Coding change: c.1037+5C>T on transcript NM_176824.3 (MANE Select); 5 bases into the intron after coding-DNA position 1037, C replaced by T.
Molecular consequence: intron variant.
Genome position (GRCh38, 1-based): chr4:121,847,399, G>A on the plus strand (C>T on the coding strand, the complement: BBS7 is on the minus strand). VCF-style: chr4-121847399-G-A. GRCh37 (hg19) VCF-style: chr4-122768554-G-A.
Other names: c.1037+5C>T (NM_176824.2, NM_018190.4).
Identifiers: ClinVar variation 1063476 (VCV001063476.4), dbSNP rs749266895, ClinGen allele CA3064344.